The following is an entry in ClinVar:

NM_001037.5(SCN1B):c.389A>C (p.Glu130Ala)

Gene: SCN1B (sodium voltage-gated channel beta subunit 1; plus strand). Cytogenetic location: 19q13.11.
Variant type: single nucleotide variant.
Coding change: c.389A>C on transcript NM_001037.5 (MANE Select); coding-DNA position 389, A replaced by C.
Protein change: p.Glu130Ala; replaces glutamic acid 130 with alanine.
Molecular consequence: missense variant.
Genome position (GRCh38, 1-based): chr19:35,033,680, A>C. VCF-style: chr19-35033680-A-C. GRCh37 (hg19) VCF-style: chr19-35524584-A-C.
Other names: c.290A>C, p.Glu97Ala (NM_001321605.2); c.389A>C, p.Glu130Ala (NM_199037.5); short protein forms E130A, E97A.
Identifiers: ClinVar variation 2962878 (VCV002962878.3), dbSNP rs1458465873, ClinGen allele CA405328928.

ClinVar aggregate classification (germline): Uncertain significance (1 of 4 stars; one submission).

Conditions:
Brugada syndrome 5 (BRGDA5). Identifiers: Orphanet 130, Orphanet 871, MedGen C2748541, MONDO:0013015, OMIM 612838.

Allele frequency attached by ClinVar (database versions not stated): gnomAD exomes below 0.00001.
gnomAD v4.1: 1 of 1,614,146 alleles (0.000062%); highest among the groups gnomAD compares: Non-Finnish European, 0.000085%; no homozygotes.

Submission:

Labcorp Genetics (formerly Invitae), Labcorp
Classification: Uncertain significance for Brugada syndrome 5. Last evaluated: 2023-10-09. Review status: criteria provided, single submitter. Criteria: Invitae Variant Classification Sherloc (09022015). Collection method: clinical testing. Allele origin: germline.
Comment: This sequence change replaces glutamic acid, which is acidic and polar, with alanine, which is neutral and non-polar, at codon 130 of the SCN1B protein (p.Glu130Ala). This variant is present in population databases (no rsID available, gnomAD 0.0009%). This variant has not been reported in the literature in individuals affected with SCN1B-related conditions. An algorithm developed to predict the effect of missense changes on protein structure and function (PolyPhen-2) suggests that this variant is likely to be tolerated. In summary, the available evidence is currently insufficient to determine the role of this variant in disease. Therefore, it has been classified as a Variant of Uncertain Significance.